The following is an entry in ClinVar:

ClinVar aggregate classification (germline): Uncertain significance (1 of 4 stars; one submission).

Conditions:
Cardiovascular phenotype. Identifiers: MedGen CN230736.
Hereditary cancer-predisposing syndrome. Also called: Tumor predisposition; Neoplastic Syndromes, Hereditary; Hereditary neoplastic syndrome; Hereditary Cancer Syndrome. Identifiers: Orphanet 140162, MedGen C0027672, MeSH D009386, MONDO:0015356.

Submission:

Ambry Genetics
Classification: Uncertain significance for Cardiovascular phenotype; Hereditary cancer-predisposing syndrome. Last evaluated: 2025-06-25. Review status: criteria provided, single submitter. Criteria: Ambry Variant Classification Scheme 2023. Collection method: clinical testing. Allele origin: germline.
Comment: The p.L806* variant (also known as c.2417T>A), located in coding exon 21 of the LZTR1 gene, results from a T to A substitution at nucleotide position 2417. This changes the amino acid from a leucine to a stop codon within coding exon 21. This alteration occurs at the 3' terminus of theLZTR1 gene, is not expected to trigger nonsense-mediated mRNAdecay, and impacts the last 4.2% of the protein. The exact functional effect of this alteration is unknown. Based on the available evidence, the clinical significance of this variant remains unclear.

NM_006767.4(LZTR1):c.2417T>A (p.Leu806Ter)

Gene: LZTR1 (leucine zipper like post translational regulator 1; plus strand). Cytogenetic location: 22q11.21.
Variant type: single nucleotide variant.
Coding change: c.2417T>A on transcript NM_006767.4 (MANE Select); coding-DNA position 2417, T replaced by A.
Protein change: p.Leu806Ter; replaces leucine 806 with a stop codon.
Molecular consequence: nonsense.
Genome position (GRCh38, 1-based): chr22:20,997,242, T>A. VCF-style: chr22-20997242-T-A. GRCh37 (hg19) VCF-style: chr22-21351531-T-A.
Other names: short protein forms L806*.
Identifiers: ClinVar variation 4101856 (VCV004101856.1).